The following is an entry in ClinVar:

NM_000492.4(CFTR):c.1550A>C (p.Tyr517Ser)

Genes: CFTR (CF transmembrane conductance regulator; plus strand), CFTR-AS1 (CFTR antisense RNA 1; minus strand). Cytogenetic location: 7q31.2.
Variant type: single nucleotide variant.
Coding change: c.1550A>C on transcript NM_000492.4 (MANE Select); coding-DNA position 1550, A replaced by C.
Protein change: p.Tyr517Ser; replaces tyrosine 517 with serine.
Molecular consequence: missense variant.
Genome position (GRCh38, 1-based): chr7:117,559,621, A>C. VCF-style: chr7-117559621-A-C. GRCh37 (hg19) VCF-style: chr7-117199675-A-C.
Other names: short protein forms Y517S.
Identifiers: ClinVar variation 1705990 (VCV001705990.4), dbSNP rs1562898496, ClinGen allele CA368984865.

ClinVar aggregate classification (germline): Uncertain significance. Review status: criteria provided, multiple submitters, no conflicts (2 of 4 stars). 3 submissions from 3 submitters: Uncertain significance (2). 1 of the submissions does not count toward it. Last evaluated 2022-09-05.

Conditions:
Cystic fibrosis (CF). Also called: MUCOVISCIDOSIS. Identifiers: Orphanet 586, MedGen C0010674, MONDO:0009061, OMIM 219700. Disease mechanism: loss of function.

Submissions (3):

Institute of Human Genetics, University of Leipzig Medical Center
Classification: Uncertain significance for Cystic fibrosis. Last evaluated: 2022-09-05. Review status: criteria provided, single submitter. Criteria: ACMG Guidelines, 2015. Collection method: curation. Allele origin: unknown. Affected: yes. Observed: 1 variant allele.
Comment: The variant was classified in the context of a project re-classifying variants in the German Cystic Fibrosis Registry (Muko.e.V.). Criteria applied: PM2_SUP, PM5, PP3

Ambry Genetics
Classification: Uncertain significance for Cystic fibrosis. Last evaluated: 2022-01-07. Review status: criteria provided, single submitter. Criteria: Ambry Variant Classification Scheme 2023. Collection method: clinical testing. Allele origin: germline.
Comment: The p.Y517S variant (also known as c.1550A>C), located in coding exon 11 of the CFTR gene, results from an A to C substitution at nucleotide position 1550. The tyrosine at codon 517 is replaced by serine, an amino acid with dissimilar properties. This amino acid position is conserved. In addition, this alteration is predicted to be deleterious by in silico analysis. Since supporting evidence is limited at this time, the clinical significance of this alteration remains unclear.

Dr Mariam's Lab, University of the Punjab
Classification: Likely pathogenic for Cystic fibrosis. Review status: no assertion criteria provided. Collection method: case-control. Allele origin: germline. Affected: yes. Not counted in ClinVar's aggregate classification.